The following is an entry in ClinVar:

NM_001458.5(FLNC):c.612C>T (p.Pro204=)

Gene: FLNC (filamin C; plus strand). Cytogenetic location: 7q32.1.
Variant type: single nucleotide variant.
Coding change: c.612C>T on transcript NM_001458.5 (MANE Select); coding-DNA position 612, C replaced by T.
Protein change: p.Pro204=; no amino-acid change (proline 204 retained).
Molecular consequence: synonymous variant.
Genome position (GRCh38, 1-based): chr7:128,837,170, C>T. VCF-style: chr7-128837170-C-T. GRCh37 (hg19) VCF-style: chr7-128477224-C-T.
Other names: c.612C>T, p.Pro204= (NM_001127487.2).
Identifiers: ClinVar variation 472125 (VCV000472125.45), dbSNP rs368103032, ClinGen allele CA4474080.

ClinVar aggregate classification (germline): Likely benign. Review status: criteria provided, multiple submitters, no conflicts (2 of 4 stars). 4 submissions from 4 submitters: Likely benign (4). Last evaluated 2026-01-20.

Conditions:
Cardiovascular phenotype. Identifiers: MedGen CN230736.
Hypertrophic cardiomyopathy 26. Also called: Cardiomyopathy, familial hypertrophic, 26. Identifiers: Orphanet 75249, MedGen C4310749, MONDO:0014883, OMIM 617047.
Myofibrillar myopathy 5. Also called: Filaminopathy (type); FILAMINOPATHY, AUTOSOMAL DOMINANT. Identifiers: Orphanet 171445, MedGen C1836050, MONDO:0012289, OMIM 609524.
Distal myopathy with posterior leg and anterior hand involvement. Also called: WILLIAMS DISTAL MYOPATHY. Identifiers: Orphanet 63273, MedGen C3279722, MONDO:0013550, OMIM 614065.

Allele frequency attached by ClinVar (database versions not stated): gnomAD 0.00003; ExAC 0.00004; gnomAD exomes 0.00004 and 0.00006; TOPMed 0.00004; ESP Exome Variant Server 0.00008.
gnomAD v4.1: 88 of 1,600,766 alleles (0.0055%); highest among the groups gnomAD compares: Non-Finnish European, 0.0068%; no homozygotes.

Submissions (4):

Labcorp Genetics (formerly Invitae), Labcorp
Classification: Likely benign for Distal myopathy with posterior leg and anterior hand involvement; Myofibrillar myopathy 5; Hypertrophic cardiomyopathy 26. Last evaluated: 2026-01-20. Review status: criteria provided, single submitter. Criteria: Invitae Variant Classification Sherloc (09022015). Collection method: clinical testing. Allele origin: germline.

Blueprint Genetics
Classification: Likely benign. Last evaluated: 2023-01-13. Review status: criteria provided, single submitter. Criteria: ACMG Guidelines, 2015. Collection method: clinical testing. Allele origin: germline.

Ambry Genetics
Classification: Likely benign for Cardiovascular phenotype. Last evaluated: 2022-05-20. Review status: criteria provided, single submitter. Criteria: Ambry Variant Classification Scheme 2023. Collection method: clinical testing. Allele origin: germline.

CeGaT Center for Human Genetics Tuebingen
Classification: Likely benign. Last evaluated: 2022-05-01. Review status: criteria provided, single submitter. Criteria: CeGaT Center For Human Genetics Tuebingen Variant Classification Criteria Version 2. Collection method: clinical testing. Allele origin: germline. Affected: yes. Observed: 1 variant allele.
Comment: FLNC: BP4, BP7